The following is an entry in ClinVar:

NM_002968.3(SALL1):c.1715C>T (p.Thr572Met)

Gene: SALL1 (spalt like transcription factor 1; minus strand). Cytogenetic location: 16q12.1.
Variant type: single nucleotide variant.
Coding change: c.1715C>T on transcript NM_002968.3 (MANE Select); coding-DNA position 1715, C replaced by T.
Protein change: p.Thr572Met; replaces threonine 572 with methionine.
Molecular consequence: missense variant.
Genome position (GRCh38, 1-based): chr16:51,140,507, G>A on the plus strand (C>T on the coding strand, the complement: SALL1 is on the minus strand). VCF-style: chr16-51140507-G-A. GRCh37 (hg19) VCF-style: chr16-51174418-G-A.
Other names: c.1424C>T, p.Thr475Met (NM_001127892.2); short protein forms T572M, T475M.
Identifiers: ClinVar variation 289697 (VCV000289697.12), dbSNP rs373471563, ClinGen allele CA8053243.

ClinVar aggregate classification (germline): Conflicting classifications of pathogenicity. Review status: criteria provided, conflicting classifications (1 of 4 stars). 3 submissions from 3 submitters: Uncertain significance (2); Likely benign (1). Last evaluated 2023-11-27.

Conditions:
Townes syndrome (TBS). Also called: Townes-Brocks syndrome. Identifiers: Orphanet 857, MedGen C0265246, MeSH C536974, MONDO:0007142.

Allele frequency attached by ClinVar (database versions not stated): gnomAD 0.00006; gnomAD exomes 0.00008 and 0.00024; ExAC 0.00013; ESP Exome Variant Server 0.00015; TOPMed 0.00018.
gnomAD v4.1: 376 of 1,613,862 alleles (0.023%); highest among the groups gnomAD compares: Non-Finnish European, 0.028%; 1 homozygote.

Submissions (3):

Labcorp Genetics (formerly Invitae), Labcorp
Classification: Uncertain significance for Townes syndrome. Last evaluated: 2023-11-27. Review status: criteria provided, single submitter. Criteria: Invitae Variant Classification Sherloc (09022015). Collection method: clinical testing. Allele origin: germline.
Comment: This sequence change replaces threonine, which is neutral and polar, with methionine, which is neutral and non-polar, at codon 572 of the SALL1 protein (p.Thr572Met). This variant is present in population databases (rs373471563, gnomAD 0.02%). This variant has not been reported in the literature in individuals affected with SALL1-related conditions. ClinVar contains an entry for this variant (Variation ID: 289697). An algorithm developed to predict the effect of missense changes on protein structure and function (PolyPhen-2) suggests that this variant is likely to be disruptive. In summary, the available evidence is currently insufficient to determine the role of this variant in disease. Therefore, it has been classified as a Variant of Uncertain Significance.

GeneDx
Classification: Likely benign. Last evaluated: 2019-03-29. Review status: criteria provided, single submitter. Criteria: GeneDx Variant Classification Process June 2021. Collection method: clinical testing. Allele origin: germline. Affected: yes.

Eurofins Ntd Llc (ga)
Classification: Uncertain significance. Last evaluated: 2016-09-01. Review status: criteria provided, single submitter. Criteria: EGL Classification Definitions 2015. Collection method: clinical testing. Allele origin: germline. Observed: 1 variant allele, 1 heterozygote.